The following is an entry in ClinVar:

ClinVar aggregate classification (germline): Uncertain significance. Review status: criteria provided, multiple submitters, no conflicts (2 of 4 stars). 2 submissions from 2 submitters: Uncertain significance (2). Last evaluated 2025-01-24.

Conditions:
Inborn genetic diseases. Identifiers: MedGen C0950123, MeSH D030342.

gnomAD v4.1: 12 of 1,614,044 alleles (0.00074%); highest among the groups gnomAD compares: African/African-American, 0.015%; no homozygotes.

Submissions (2):

GeneDx
Classification: Uncertain significance. Last evaluated: 2025-01-24. Review status: criteria provided, single submitter. Criteria: GeneDx Variant Classification Process June 2021. Collection method: clinical testing. Allele origin: germline. Affected: yes.
Comment: In silico analysis supports that this missense variant has a deleterious effect on protein structure/function; Has not been previously published as pathogenic or benign to our knowledge

Ambry Genetics
Classification: Uncertain significance for Inborn genetic diseases. Last evaluated: 2024-11-13. Review status: criteria provided, single submitter. Criteria: Ambry Variant Classification Scheme 2023. Collection method: clinical testing. Allele origin: germline.

NM_016343.4(CENPF):c.407A>T (p.Asp136Val)

Gene: CENPF (centromere protein F; plus strand). Cytogenetic location: 1q41.
Variant type: single nucleotide variant.
Coding change: c.407A>T on transcript NM_016343.4 (MANE Select); coding-DNA position 407, A replaced by T.
Protein change: p.Asp136Val; replaces aspartic acid 136 with valine.
Molecular consequence: missense variant.
Genome position (GRCh38, 1-based): chr1:214,618,620, A>T. VCF-style: chr1-214618620-A-T. GRCh37 (hg19) VCF-style: chr1-214791963-A-T.
Other names: short protein forms D136V.
Identifiers: ClinVar variation 3490351 (VCV003490351.2).